The following is an entry in ClinVar:

ClinVar aggregate classification (germline): Uncertain significance (1 of 4 stars; one submission).

Allele frequency attached by ClinVar (database versions not stated): gnomAD exomes below 0.00001; TOPMed 0.00005.
gnomAD v4.1: 1 of 1,612,324 alleles (0.000062%); highest among the groups gnomAD compares: Admixed American, 0.0017%; no homozygotes.

Submission:

Labcorp Genetics (formerly Invitae), Labcorp
Classification: Uncertain significance. Last evaluated: 2025-11-03. Review status: criteria provided, single submitter. Criteria: Invitae Variant Classification Sherloc (09022015). Collection method: clinical testing. Allele origin: germline.
Comment: This sequence change replaces glycine, which is neutral and non-polar, with glutamic acid, which is acidic and polar, at codon 275 of the CLCN6 protein (p.Gly275Glu). This variant is present in population databases (no rsID available, gnomAD 0.003%). This variant has not been reported in the literature in individuals affected with CLCN6-related conditions. ClinVar contains an entry for this variant (Variation ID: 2974919). An algorithm developed to predict the effect of missense changes on protein structure and function (PolyPhen-2) suggests that this variant is likely to be tolerated. In summary, the available evidence is currently insufficient to determine the role of this variant in disease. Therefore, it has been classified as a Variant of Uncertain Significance.

NM_001286.5(CLCN6):c.824G>A (p.Gly275Glu)

Gene: CLCN6 (Cl-/H+ antiporter 6; plus strand). Cytogenetic location: 1p36.22.
Variant type: single nucleotide variant.
Coding change: c.824G>A on transcript NM_001286.5 (MANE Select); coding-DNA position 824, G replaced by A.
Protein change: p.Gly275Glu; replaces glycine 275 with glutamic acid.
Molecular consequence: missense variant. On other transcripts: non-coding transcript variant (1).
Genome position (GRCh38, 1-based): chr1:11,827,205, G>A. VCF-style: chr1-11827205-G-A. GRCh37 (hg19) VCF-style: chr1-11887262-G-A.
Other names: c.758G>A, p.Gly253Glu (NM_001256959.2); short protein forms G253E, G275E.
Identifiers: ClinVar variation 2974919 (VCV002974919.3), dbSNP rs886685822, ClinGen allele CA17996798.